The following is an entry in ClinVar:

ClinVar aggregate classification (germline): Conflicting classifications of pathogenicity. Review status: criteria provided, conflicting classifications (1 of 4 stars). 4 submissions from 4 submitters: Uncertain significance (2); Likely benign (2). Last evaluated 2026-02-04.

Conditions:
Glutathione synthetase deficiency with 5-oxoprolinuria. Also called: PYROGLUTAMIC ACIDURIA; 5-Oxoprolinuria; Reduced glutathione synthetase level; Gluthathione synthetase deficiency; 5-OXOPROLINURIA DUE TO GLUTATHIONE SYNTHETASE DEFICIENCY. Identifiers: Orphanet 289846, MedGen C0398746, MONDO:0009947, OMIM 266130, HP:0003343.

Allele frequency attached by ClinVar (database versions not stated): gnomAD exomes 0.00012 and 0.00036; ExAC 0.00041; 1000 Genomes Project 0.00100; 1000 Genomes Project 30x 0.00109; ESP Exome Variant Server 0.00138; gnomAD 0.00159 and 0.00171; TOPMed 0.00173.
gnomAD v4.1: 434 of 1,614,208 alleles (0.027%); highest among the groups gnomAD compares: African/African-American, 0.49%; 1 homozygote.

Submissions (4):

Labcorp Genetics (formerly Invitae), Labcorp
Classification: Likely benign for Glutathione synthetase deficiency with 5-oxoprolinuria. Last evaluated: 2026-02-04. Review status: criteria provided, single submitter. Criteria: Invitae Variant Classification Sherloc (09022015). Collection method: clinical testing. Allele origin: germline.

Mayo Clinic Laboratories, Mayo Clinic
Classification: Uncertain significance. Last evaluated: 2024-12-23. Review status: criteria provided, single submitter. Criteria: ACMG Guidelines, 2015. Collection method: clinical testing. Allele origin: germline. Observed: 2 variant alleles.
Comment: BP4

Blueprint Genetics
Classification: Likely benign. Last evaluated: 2024-08-26. Review status: criteria provided, single submitter. Criteria: ACMG Guidelines, 2015. Collection method: clinical testing. Allele origin: germline.

ARUP Laboratories, Molecular Genetics and Genomics, ARUP Laboratories
Classification: Uncertain significance. Last evaluated: 2020-06-02. Review status: criteria provided, single submitter. Criteria: ARUP Molecular Germline Variant Investigation Process. Collection method: clinical testing. Allele origin: germline.

NM_000178.4(GSS):c.973C>T (p.Pro325Ser)

Gene: GSS (glutathione synthetase; minus strand). Cytogenetic location: 20q11.22.
Variant type: single nucleotide variant.
Coding change: c.973C>T on transcript NM_000178.4 (MANE Select); coding-DNA position 973, C replaced by T.
Protein change: p.Pro325Ser; replaces proline 325 with serine.
Molecular consequence: missense variant.
Genome position (GRCh38, 1-based): chr20:34,931,995, G>A on the plus strand (C>T on the coding strand, the complement: GSS is on the minus strand). VCF-style: chr20-34931995-G-A. GRCh37 (hg19) VCF-style: chr20-33519798-G-A.
Other names: p.Pro325Ser; c.973C>T, p.Pro325Ser (NM_001322494.1, NM_001322495.1); short protein forms P325S.
Identifiers: ClinVar variation 698137 (VCV000698137.23), dbSNP rs11905938, ClinGen allele CA9825922.